The following is an entry in ClinVar:

NM_020975.6(RET):c.1051G>A (p.Val351Ile)

Gene: RET (ret proto-oncogene; plus strand). Cytogenetic location: 10q11.21.
Variant type: single nucleotide variant.
Coding change: c.1051G>A on transcript NM_020975.6 (MANE Select); coding-DNA position 1051, G replaced by A.
Protein change: p.Val351Ile; replaces valine 351 with isoleucine.
Molecular consequence: missense variant.
Genome position (GRCh38, 1-based): chr10:43,106,559, G>A. VCF-style: chr10-43106559-G-A. GRCh37 (hg19) VCF-style: chr10-43602007-G-A.
Other names: c.1051G>A, p.Val351Ile (NM_000323.2, NM_001406743.1, NM_001406744.1 and 6 more transcripts); c.289G>A, p.Val97Ile (NM_001355216.2); c.922G>A, p.Val308Ile (NM_001406761.1, NM_001406762.1, NM_001406764.1 and 1 more transcripts); c.763G>A, p.Val255Ile (NM_001406766.1, NM_001406767.1, NM_001406770.1); short protein forms V351I, V97I, V308I, V255I.
Identifiers: ClinVar variation 187498 (VCV000187498.17), dbSNP rs777716061, ClinGen allele CA007417.

ClinVar aggregate classification (germline): Conflicting classifications of pathogenicity. Review status: criteria provided, conflicting classifications (1 of 4 stars). 4 submissions from 4 submitters: Uncertain significance (3); Likely benign (1). Last evaluated 2026-01-04.

Conditions:
Hirschsprung disease, susceptibility to, 1 (HSCR1). Also called: RET-Related Hirschsprung Disease. Identifiers: Orphanet 388, MedGen C3888239, MONDO:0007723, OMIM 142623.
Multiple endocrine neoplasia type 2A. Also called: MULTIPLE ENDOCRINE NEOPLASIA, TYPE IIA; PTC SYNDROME; SIPPLE SYNDROME; MEN 2A; MEN-2A syndrome; Pheochromocytoma and amyloid producing medullary thyroid carcinoma. Identifiers: Orphanet 247698, Orphanet 653, MedGen C0025268, MeSH D018813, MONDO:0008234, OMIM 171400.
Multiple endocrine neoplasia type 2B. Also called: WAGENMANN-FROBOESE SYNDROME; MULTIPLE ENDOCRINE NEOPLASIA, TYPE III; Multiple endocrine neoplasia, type 3; MULTIPLE ENDOCRINE NEOPLASIA, TYPE IIB; MEN 2B; MEN IIB. Identifiers: Orphanet 247709, Orphanet 653, MedGen C0025269, MeSH D018814, MONDO:0008082, OMIM 162300.
Pheochromocytoma. Also called: MAX-Related Hereditary Paraganglioma-Pheochromocytoma Syndrome. Identifiers: Orphanet 29072, MedGen C0031511, MONDO:0008233, OMIM 171300, HP:0002666.
Familial medullary thyroid carcinoma (MTC). Also called: Thyroid cancer, familial medullary; MTC, familial; Familial Medullary Thyroid Carcinoma (FMTC). Identifiers: Orphanet 653, Orphanet 99361, MedGen C1833921, MONDO:0007958, OMIM 155240.
Hereditary cancer-predisposing syndrome. Also called: Neoplastic Syndromes, Hereditary; Hereditary Cancer Syndrome; Tumor predisposition; Hereditary neoplastic syndrome. Identifiers: Orphanet 140162, MedGen C0027672, MeSH D009386, MONDO:0015356.
Multiple endocrine neoplasia, type 2 (MEN2). Identifiers: Orphanet 653, MedGen C4048306, MONDO:0019003. Disease mechanism: gain of function.

Allele frequency attached by ClinVar (database versions not stated): gnomAD 0.00001; gnomAD exomes 0.00001; TOPMed 0.00001; ExAC 0.00001.
gnomAD v4.1: 15 of 1,613,320 alleles (0.00093%); highest among the groups gnomAD compares: African/African-American, 0.0013%; no homozygotes.

Submissions (4):

Labcorp Genetics (formerly Invitae), Labcorp
Classification: Uncertain significance for Multiple endocrine neoplasia, type 2. Last evaluated: 2026-01-04. Review status: criteria provided, single submitter. Criteria: Invitae Variant Classification Sherloc (09022015). Collection method: clinical testing. Allele origin: germline.
Comment: This sequence change replaces valine, which is neutral and non-polar, with isoleucine, which is neutral and non-polar, at codon 351 of the RET protein (p.Val351Ile). The frequency data for this variant in the population databases is considered unreliable, as metrics indicate poor data quality at this position in the gnomAD database. This variant has not been reported in the literature in individuals affected with RET-related conditions. ClinVar contains an entry for this variant (Variation ID: 187498). An algorithm developed to predict the effect of missense changes on protein structure and function (PolyPhen-2) suggests that this variant is likely to be tolerated. In summary, the available evidence is currently insufficient to determine the role of this variant in disease. Therefore, it has been classified as a Variant of Uncertain Significance.

All of Us Research Program, National Institutes of Health
Classification: Uncertain significance for Multiple endocrine neoplasia, type 2. Last evaluated: 2024-02-22. Review status: criteria provided, single submitter. Criteria: ACMG Guidelines, 2015. Collection method: clinical testing. Allele origin: germline. Inheritance: Autosomal dominant inheritance. Observed: 3 variant alleles, 3 heterozygotes.
Comment: This missense variant replaces valine with isoleucine at codon 351 of the RET protein. Computational prediction suggests that this variant may not impact protein structure and function (internally defined REVEL score threshold <= 0.5, PMID: 27666373). To our knowledge, functional studies have not been reported for this variant. This variant has not been reported in individuals affected with RET-related disorders in the literature. This variant has been identified in 2/247614 chromosomes in the general population by the Genome Aggregation Database (gnomAD). The available evidence is insufficient to determine the role of this variant in disease conclusively. Therefore, this variant is classified as a Variant of Uncertain Significance.

This study involves interpretation of variants in research participants for the purpose of population health screening. Participant phenotype was not available at the time of variant classification. Additional details can be found in publication PMID: 35346344, PMCID: PMC8962531

Ambry Genetics
Classification: Likely benign for Hereditary cancer-predisposing syndrome. Last evaluated: 2024-01-16. Review status: criteria provided, single submitter. Criteria: Ambry Variant Classification Scheme 2023. Collection method: clinical testing. Allele origin: germline.

Fulgent Genetics
Classification: Uncertain significance for Hirschsprung disease, susceptibility to, 1; Familial medullary thyroid carcinoma; Multiple endocrine neoplasia type 2B; Pheochromocytoma; Multiple endocrine neoplasia type 2A. Last evaluated: 2022-01-18. Review status: criteria provided, single submitter. Criteria: ACMG Guidelines, 2015. Collection method: clinical testing. Allele origin: unknown.